The following is an entry in ClinVar:

ClinVar aggregate classification (germline): Uncertain significance (1 of 4 stars; one submission).

Conditions:
Catecholaminergic polymorphic ventricular tachycardia 1. Also called: VENTRICULAR TACHYCARDIA, CATECHOLAMINERGIC POLYMORPHIC, 1, WITH OR WITHOUT ATRIAL DYSFUNCTION AND/OR DILATED CARDIOMYOPATHY; VENTRICULAR TACHYCARDIA, STRESS-INDUCED POLYMORPHIC 1; RYR2-Related Catecholaminergic Polymorphic Ventricular Tachycardia. Identifiers: Orphanet 3286, MedGen C1631597, MONDO:0011484, OMIM 604772.

Submission:

Labcorp Genetics (formerly Invitae), Labcorp
Classification: Uncertain significance for Catecholaminergic polymorphic ventricular tachycardia 1. Last evaluated: 2021-10-28. Review status: criteria provided, single submitter. Criteria: Invitae Variant Classification Sherloc (09022015). Collection method: clinical testing. Allele origin: germline.
Comment: This sequence change replaces lysine, which is basic and polar, with asparagine, which is neutral and polar, at codon 335 of the RYR2 protein (p.Lys335Asn). This variant also falls at the last nucleotide of exon 12, which is part of the consensus splice site for this exon. This variant is not present in population databases (gnomAD no frequency). This variant has not been reported in the literature in individuals affected with RYR2-related conditions. Algorithms developed to predict the effect of missense changes on protein structure and function (SIFT, PolyPhen-2, Align-GVGD) all suggest that this variant is likely to be disruptive. Variants that disrupt the consensus splice site are a relatively common cause of aberrant splicing (PMID: 17576681, 9536098). Algorithms developed to predict the effect of sequence changes on RNA splicing suggest that this variant may disrupt the consensus splice site. In summary, the available evidence is currently insufficient to determine the role of this variant in disease. Therefore, it has been classified as a Variant of Uncertain Significance.

Literature cited by the submitters: PubMed 17576681; PubMed 9536098.

NM_001035.3(RYR2):c.1005G>T (p.Lys335Asn)

Gene: RYR2 (ryanodine receptor 2; plus strand). Cytogenetic location: 1q43.
Variant type: single nucleotide variant.
Coding change: c.1005G>T on transcript NM_001035.3 (MANE Select); coding-DNA position 1005, G replaced by T.
Protein change: p.Lys335Asn; replaces lysine 335 with asparagine.
Molecular consequence: missense variant.
Genome position (GRCh38, 1-based): chr1:237,423,248, G>T. VCF-style: chr1-237423248-G-T. GRCh37 (hg19) VCF-style: chr1-237586548-G-T.
Other names: short protein forms K335N.
Identifiers: ClinVar variation 1389863 (VCV001389863.7), dbSNP rs2150058766, ClinGen allele CA345385644.